The following is an entry in ClinVar:

NM_004612.4(TGFBR1):c.1284T>C (p.Tyr428=)

Gene: TGFBR1 (transforming growth factor beta receptor 1; plus strand). Cytogenetic location: 9q22.33.
Variant type: single nucleotide variant.
Coding change: c.1284T>C on transcript NM_004612.4 (MANE Select); coding-DNA position 1284, T replaced by C.
Protein change: p.Tyr428=; no amino-acid change (tyrosine 428 retained).
Molecular consequence: synonymous variant.
Genome position (GRCh38, 1-based): chr9:99,147,682, T>C. VCF-style: chr9-99147682-T-C. GRCh37 (hg19) VCF-style: chr9-101909964-T-C.
Other names: c.1053T>C, p.Tyr351= (NM_001130916.3); c.1296T>C, p.Tyr432= (NM_001306210.2); c.1284T>C (NM_004612.2).
Identifiers: ClinVar variation 928363 (VCV000928363.12), dbSNP rs201163170, ClinGen allele CA196894910.

ClinVar aggregate classification (germline): Likely benign. Review status: criteria provided, multiple submitters, no conflicts (2 of 4 stars). 6 submissions from 6 submitters: Likely benign (6). Last evaluated 2025-10-07.

Conditions:
Loeys-Dietz syndrome (LDS). Identifiers: Orphanet 60030, MedGen C2697932, MONDO:0018954.
Familial thoracic aortic aneurysm and aortic dissection (TAAD). Also called: Thoracic aortic aneurysms and dissections. Identifiers: Orphanet 91387, MedGen C4707243, MONDO:0019625.

Allele frequency attached by ClinVar (database versions not stated): gnomAD exomes below 0.00001; TOPMed below 0.00001.
gnomAD v4.1: 3 of 1,613,678 alleles (0.00019%); highest among the groups gnomAD compares: Non-Finnish European, 0.00025%; no homozygotes.

Submissions (6):

Labcorp Genetics (formerly Invitae), Labcorp
Classification: Likely benign for Familial thoracic aortic aneurysm and aortic dissection. Last evaluated: 2025-10-07. Review status: criteria provided, single submitter. Criteria: Invitae Variant Classification Sherloc (09022015). Collection method: clinical testing. Allele origin: germline.

Ambry Genetics
Classification: Likely benign for Familial thoracic aortic aneurysm and aortic dissection. Last evaluated: 2025-02-06. Review status: criteria provided, single submitter. Criteria: Ambry Variant Classification Scheme 2023. Collection method: clinical testing. Allele origin: germline.

Women's Health and Genetics/Laboratory Corporation of America, LabCorp
Classification: Likely benign. Last evaluated: 2023-11-20. Review status: criteria provided, single submitter. Criteria: LabCorp Variant Classification Summary - May 2015. Collection method: clinical testing. Allele origin: germline.

All of Us Research Program, National Institutes of Health
Classification: Likely benign for Loeys-Dietz syndrome. Last evaluated: 2022-12-27. Review status: criteria provided, single submitter. Criteria: ACMG Guidelines, 2015. Collection method: clinical testing. Allele origin: germline. Inheritance: Autosomal dominant inheritance. Observed: 1 variant allele, 1 heterozygote.
Comment: This study involves interpretation of variants in research participants for the purpose of population health screening. Participant phenotype was not available at the time of variant classification. Additional details can be found in publication PMID: 35346344, PMCID: PMC8962531

CHEO Genetics Diagnostic Laboratory, Children's Hospital of Eastern Ontario
Classification: Likely benign for Familial thoracic aortic aneurysm and aortic dissection. Last evaluated: 2019-08-07. Review status: criteria provided, single submitter. Criteria: ACMG Guidelines, 2015. Collection method: clinical testing. Allele origin: germline.

Color Diagnostics, LLC DBA Color Health
Classification: Likely benign for Familial thoracic aortic aneurysm and aortic dissection. Last evaluated: 2018-12-04. Review status: criteria provided, single submitter. Criteria: ACMG Guidelines, 2015. Collection method: clinical testing. Allele origin: germline.